The following is an entry in ClinVar:

ClinVar aggregate classification (germline): Uncertain significance (1 of 4 stars; one submission).

Conditions:
Myopathy, proximal, and ophthalmoplegia (CMYO6). Also called: CONGENITAL MYOPATHY 6 WITH OPHTHALMOPLEGIA; MYOPATHY WITH CONGENITAL JOINT CONTRACTURES, OPHTHALMOPLEGIA, AND RIMMED VACUOLES; INCLUSION BODY MYOPATHY 3, AUTOSOMAL DOMINANT. Identifiers: Orphanet 363677, Orphanet 79091, MedGen C1854106, MONDO:0011577, OMIM 605637.

Allele frequency attached by ClinVar (database versions not stated): gnomAD 0.00003 and 0.00005; ExAC 0.00004; gnomAD exomes 0.00005; TOPMed 0.00005; ESP Exome Variant Server 0.00008.
gnomAD v4.1: 37 of 1,613,894 alleles (0.0023%); highest among the groups gnomAD compares: East Asian, 0.013%; no homozygotes.

Submission:

Labcorp Genetics (formerly Invitae), Labcorp
Classification: Uncertain significance for Myopathy, proximal, and ophthalmoplegia. Last evaluated: 2022-08-23. Review status: criteria provided, single submitter. Criteria: Invitae Variant Classification Sherloc (09022015). Collection method: clinical testing. Allele origin: germline.
Comment: In summary, the available evidence is currently insufficient to determine the role of this variant in disease. Therefore, it has been classified as a Variant of Uncertain Significance. Algorithms developed to predict the effect of missense changes on protein structure and function (SIFT, PolyPhen-2, Align-GVGD) all suggest that this variant is likely to be disruptive. ClinVar contains an entry for this variant (Variation ID: 1402712). This variant has not been reported in the literature in individuals affected with MYH2-related conditions. This variant is present in population databases (rs370424529, gnomAD 0.04%). This sequence change replaces arginine, which is basic and polar, with cysteine, which is neutral and slightly polar, at codon 1295 of the MYH2 protein (p.Arg1295Cys).

NM_017534.6(MYH2):c.3883C>T (p.Arg1295Cys)

Genes: MYHAS (myosin heavy chain gene cluster antisense RNA; plus strand), MYH2 (myosin heavy chain 2; minus strand). Cytogenetic location: 17p13.1.
Variant type: single nucleotide variant.
Coding change: c.3883C>T on transcript NM_017534.6 (MANE Select); coding-DNA position 3883, C replaced by T.
Protein change: p.Arg1295Cys; replaces arginine 1295 with cysteine.
Molecular consequence: missense variant.
Genome position (GRCh38, 1-based): chr17:10,527,045, G>A on the plus strand (C>T on the coding strand, the complement: MYH2 is on the minus strand). VCF-style: chr17-10527045-G-A. GRCh37 (hg19) VCF-style: chr17-10430362-G-A.
Other names: c.3883C>T, p.Arg1295Cys (NM_001100112.2); short protein forms R1295C.
Identifiers: ClinVar variation 1402712 (VCV001402712.6), dbSNP rs370424529, ClinGen allele CA8390779.